The following is an entry in ClinVar:

NM_021973.3(HAND2):c.78_95del (p.Ala27_Ala32del)

Genes: HAND2 (heart and neural crest derivatives expressed 2; minus strand), HAND2-AS1 (HAND2 antisense RNA 1; plus strand). Cytogenetic location: 4q34.1.
Variant type: Deletion.
Coding change: c.78_95del on transcript NM_021973.3 (MANE Select); coding-DNA positions 78 to 95, 18 bases deleted (AGCTGCCGCCGCCGCCGC).
Protein change: p.Ala27_Ala32del.
Genome position (GRCh38, 1-based): chr4:173,529,195-173,529,212, GCGGCGGCGGCGGCAGCT deleted on the plus strand (AGCTGCCGCCGCCGCCGC on the coding strand, the reverse complement: HAND2 is on the minus strand); deleting any 18 consecutive bases within chr4:173,529,195-173,529,226 gives the same sequence; the c. name uses the placement nearest the transcript's 3' end. VCF-style (leftmost placement, unchanged base first): chr4-173529194-GGCGGCGGCGGCGGCAGCT-G. GRCh37 (hg19) VCF-style: chr4-174450345-GGCGGCGGCGGCGGCAGCT-G.
Identifiers: ClinVar variation 4799931 (VCV004799931.1).

ClinVar aggregate classification (germline): Uncertain significance (1 of 4 stars; one submission).

Submission:

Labcorp Genetics (formerly Invitae), Labcorp
Classification: Uncertain significance. Last evaluated: 2025-09-03. Review status: criteria provided, single submitter. Criteria: Invitae Variant Classification Sherloc (09022015). Collection method: clinical testing. Allele origin: germline.
Comment: This variant, c.78_95del, results in the deletion of 6 amino acid(s) of the HAND2 protein (p.Ala27_Ala32del), but otherwise preserves the integrity of the reading frame. The frequency data for this variant in the population databases is considered unreliable, as metrics indicate poor data quality at this position in the gnomAD database. This variant has not been reported in the literature in individuals affected with HAND2-related conditions. In summary, the available evidence is currently insufficient to determine the role of this variant in disease. Therefore, it has been classified as a Variant of Uncertain Significance.